The following is an entry in ClinVar:

NM_003073.5(SMARCB1):c.271T>A (p.Leu91Ile)

Gene: SMARCB1 (SWI/SNF related BAF chromatin remodeling complex subunit B1; plus strand). Cytogenetic location: 22q11.23.
Variant type: single nucleotide variant.
Coding change: c.271T>A on transcript NM_003073.5 (MANE Select); coding-DNA position 271, T replaced by A.
Protein change: p.Leu91Ile; replaces leucine 91 with isoleucine.
Molecular consequence: missense variant.
Genome position (GRCh38, 1-based): chr22:23,793,597, T>A. VCF-style: chr22-23793597-T-A. GRCh37 (hg19) VCF-style: chr22-24135784-T-A.
Other names: c.244T>A, p.Leu82Ile (NM_001007468.3, NM_001317946.2); c.271T>A, p.Leu91Ile (NM_001362877.2); short protein forms L82I, L91I.
Identifiers: ClinVar variation 3609637 (VCV003609637.3).
Genomic context (GRCh38, chr22:23,793,597, plus strand): 5'-CAGTGATGTTTGTCTGTTACAGATCACGGATACACGACTCTAGCCACCAGTGTGACCCTG[T>A]TAAAAGCCTCGGAAGTGGAAGAGATTCTGGATGGCAACGATGAGAAGTACAAGGCTGTGT-3'
Protein context (NP_003064.2, residues 81-101): YTTLATSVTL[Leu91Ile]KASEVEEILD

ClinVar aggregate classification (germline): Uncertain significance. Review status: criteria provided, multiple submitters, no conflicts (2 of 4 stars). 2 submissions from 2 submitters: Uncertain significance (2). Last evaluated 2025-03-27.

Conditions:
Hereditary cancer-predisposing syndrome. Also called: Hereditary Cancer Syndrome; Neoplastic Syndromes, Hereditary; Tumor predisposition; Hereditary neoplastic syndrome. Identifiers: Orphanet 140162, MedGen C0027672, MeSH D009386, MONDO:0015356.

gnomAD v4.1: 1 of 1,614,044 alleles (0.000062%); highest among the groups gnomAD compares: Admixed American, 0.0017%; no homozygotes.

Submissions (2):

Ambry Genetics
Classification: Uncertain significance for Hereditary cancer-predisposing syndrome. Last evaluated: 2025-03-27. Review status: criteria provided, single submitter. Criteria: Ambry Variant Classification Scheme 2023. Collection method: clinical testing. Allele origin: germline.
Comment: The p.L91I variant (also known as c.271T>A), located in coding exon 3 of the SMARCB1 gene, results from a T to A substitution at nucleotide position 271. The leucine at codon 91 is replaced by isoleucine, an amino acid with highly similar properties. This amino acid position is conserved. In addition, the in silico prediction for this alteration is inconclusive. Based on the available evidence, the clinical significance of this variant remains unclear.

Labcorp Genetics (formerly Invitae), Labcorp
Classification: Uncertain significance. Last evaluated: 2025-02-19. Review status: criteria provided, single submitter. Criteria: Invitae Variant Classification Sherloc (09022015). Collection method: clinical testing. Allele origin: germline.
Comment: This sequence change replaces leucine, which is neutral and non-polar, with isoleucine, which is neutral and non-polar, at codon 91 of the SMARCB1 protein (p.Leu91Ile). This variant is present in population databases (rs746745700, gnomAD 0.003%). This variant has not been reported in the literature in individuals affected with SMARCB1-related conditions. Invitae Evidence Modeling of protein sequence and biophysical properties (such as structural, functional, and spatial information, amino acid conservation, physicochemical variation, residue mobility, and thermodynamic stability) indicates that this missense variant is not expected to disrupt SMARCB1 protein function with a negative predictive value of 80%. In summary, the available evidence is currently insufficient to determine the role of this variant in disease. Therefore, it has been classified as a Variant of Uncertain Significance.